The following is an entry in ClinVar:

ClinVar aggregate classification (germline): Uncertain significance (1 of 4 stars; one submission).

Allele frequency attached by ClinVar (database versions not stated): gnomAD exomes below 0.00001.
gnomAD v4.1: 1 of 1,614,042 alleles (0.000062%); highest among the groups gnomAD compares: Admixed American, 0.0017%; no homozygotes.

Submission:

Ambry Genetics
Classification: Uncertain significance. Last evaluated: 2022-04-10. Review status: criteria provided, single submitter. Criteria: Ambry Variant Classification Scheme 2023. Collection method: clinical testing. Allele origin: germline.
Comment: The p.S223F variant (also known as c.668C>T), located in coding exon 8 of the NPAT gene, results from a C to T substitution at nucleotide position 668. The serine at codon 223 is replaced by phenylalanine, an amino acid with highly dissimilar properties. This amino acid position is conserved. In addition, this alteration is predicted to be tolerated by in silico analysis. Since supporting evidence is limited at this time, the clinical significance of this alteration remains unclear.

NM_002519.3(NPAT):c.668C>T (p.Ser223Phe)

Gene: NPAT (nuclear protein, coactivator of histone transcription; minus strand). Cytogenetic location: 11q22.3.
Variant type: single nucleotide variant.
Coding change: c.668C>T on transcript NM_002519.3 (MANE Select); coding-DNA position 668, C replaced by T.
Protein change: p.Ser223Phe; replaces serine 223 with phenylalanine.
Molecular consequence: missense variant.
Genome position (GRCh38, 1-based): chr11:108,186,540, G>A on the plus strand (C>T on the coding strand, the complement: NPAT is on the minus strand). VCF-style: chr11-108186540-G-A. GRCh37 (hg19) VCF-style: chr11-108057267-G-A.
Other names: c.668C>T, p.Ser223Phe (NM_001321307.1); short protein forms S223F.
Identifiers: ClinVar variation 1754903 (VCV001754903.2), dbSNP rs2496740380, ClinGen allele CA382522421.